The following is an entry in ClinVar:

NM_001363711.2(DUOX2):c.3604A>G (p.Met1202Val)

Gene: DUOX2 (dual oxidase 2; minus strand). Cytogenetic location: 15q21.1.
Variant type: single nucleotide variant.
Coding change: c.3604A>G on transcript NM_001363711.2 (MANE Select); coding-DNA position 3604, A replaced by G.
Protein change: p.Met1202Val; replaces methionine 1202 with valine.
Molecular consequence: missense variant.
Genome position (GRCh38, 1-based): chr15:45,097,703, T>C on the plus strand (A>G on the coding strand, the complement: DUOX2 is on the minus strand). VCF-style: chr15-45097703-T-C. GRCh37 (hg19) VCF-style: chr15-45389901-T-C.
Other names: c.3604A>G, p.Met1202Val (NM_014080.5); c.3604A>G (NM_014080.4); short protein forms M1202V.
Identifiers: ClinVar variation 1470822 (VCV001470822.6), dbSNP rs1893943548, ClinGen allele CA392256311.
Genomic context (GRCh38, chr15:45,097,703, plus strand): 5'-GGGTCAGCCAGAAGCCCCGGAAGCTGCGGCGGCGGAAGTGGTGGGAGGCGAAGACATACA[T>C]GATGGCCAGGACCAGGAGCAGAAGCACACCTGTCATACCTGGGGGCAGGAAGACAGGGCC-3'
Protein context (NP_001350640.1, residues 1192-1212): GVLLLLVLAI[Met1202Val]YVFASHHFRR

ClinVar aggregate classification (germline): Uncertain significance. Review status: criteria provided, multiple submitters, no conflicts (2 of 4 stars). 2 submissions from 2 submitters: Uncertain significance (2). Last evaluated 2025-05-11.

Conditions:
Inborn genetic diseases. Identifiers: MedGen C0950123, MeSH D030342.

Allele frequency attached by ClinVar (database versions not stated): gnomAD exomes below 0.00001; TOPMed below 0.00001.

Submissions (2):

Ambry Genetics
Classification: Uncertain significance for Inborn genetic diseases. Last evaluated: 2025-05-11. Review status: criteria provided, single submitter. Criteria: Ambry Variant Classification Scheme 2023. Collection method: clinical testing. Allele origin: germline.

Labcorp Genetics (formerly Invitae), Labcorp
Classification: Uncertain significance. Last evaluated: 2021-08-20. Review status: criteria provided, single submitter. Criteria: Invitae Variant Classification Sherloc (09022015). Collection method: clinical testing. Allele origin: germline.
Comment: This sequence change replaces methionine with valine at codon 1202 of the DUOX2 protein (p.Met1202Val). The methionine residue is highly conserved and there is a small physicochemical difference between methionine and valine. This variant is not present in population databases (ExAC no frequency). This variant has not been reported in the literature in individuals affected with DUOX2-related conditions. Advanced modeling of protein sequence and biophysical properties (such as structural, functional, and spatial information, amino acid conservation, physicochemical variation, residue mobility, and thermodynamic stability) performed at Invitae indicates that this missense variant is expected to disrupt DUOX2 protein function. In summary, the available evidence is currently insufficient to determine the role of this variant in disease. Therefore, it has been classified as a Variant of Uncertain Significance.